The following is an entry in ClinVar:

NM_001042681.2(RERE):c.2453C>T (p.Pro818Leu)

Gene: RERE (arginine-glutamic acid dipeptide repeats; minus strand). Cytogenetic location: 1p36.23.
Variant type: single nucleotide variant.
Coding change: c.2453C>T on transcript NM_001042681.2 (MANE Select); coding-DNA position 2453, C replaced by T.
Protein change: p.Pro818Leu; replaces proline 818 with leucine.
Molecular consequence: missense variant.
Genome position (GRCh38, 1-based): chr1:8,361,054, G>A on the plus strand (C>T on the coding strand, the complement: RERE is on the minus strand). VCF-style: chr1-8361054-G-A. GRCh37 (hg19) VCF-style: chr1-8421114-G-A.
Other names: c.791C>T, p.Pro264Leu (NM_001042682.2); c.2453C>T, p.Pro818Leu (NM_012102.4); short protein forms P818L, P264L.
Identifiers: ClinVar variation 2409097 (VCV002409097.4), dbSNP rs1057430315, ClinGen allele CA17696070.
Genomic context (GRCh38, chr1:8,361,054, plus strand): 5'-GCAGAAGGCTGGCCCGCCGACCCAGTCAGAGGCTGCAGCGGGGGATGTGGCGAGGGATGC[G>A]GCGGGGGATGCGGTGAGGGCGGCCGCTGGGGGTGCAAGGCCGGTGCCTGTTGGATGTGGG-3'
Protein context (NP_001036146.1, residues 808-828): PQRPPSPHPP[Pro818Leu]HPSPHPPLQP

ClinVar aggregate classification (germline): Likely benign. Review status: criteria provided, multiple submitters, no conflicts (2 of 4 stars). 3 submissions from 3 submitters: Likely benign (3). Last evaluated 2025-11-25.

Conditions:
Inborn genetic diseases. Identifiers: MedGen C0950123, MeSH D030342.
Cleft palate. Identifiers: Orphanet 2014, MedGen C2981150, MONDO:0016064, HP:0000175.

Allele frequency attached by ClinVar (database versions not stated): gnomAD 0.00002; TOPMed 0.00002; gnomAD exomes 0.00006.
gnomAD v4.1: 71 of 1,437,276 alleles (0.0049%); highest among the groups gnomAD compares: Middle Eastern, 0.19%; no homozygotes.

Submissions (3):

Women's Health and Genetics/Laboratory Corporation of America, LabCorp
Classification: Likely benign. Last evaluated: 2025-11-25. Review status: criteria provided, single submitter. Criteria: LabCorp Variant Classification Summary - May 2015. Collection method: clinical testing. Allele origin: germline.
Comment: Variant summary: RERE c.2453C>T (p.Pro818Leu) results in a non-conservative amino acid change in the encoded protein sequence. Algorithms developed to predict the effect of missense changes on protein structure and function are either unavailable or do not agree on the potential impact of this missense change. The variant allele was found at a frequency of 7.1e-05 in 56692 control chromosomes (gnomAD v2). The available data on variant occurrences in the general population are insufficient to allow any conclusion about variant significance. However, a total of 71 heterozygotes of this variant was observed in the gnomAD v4 database. To our knowledge, no occurrence of c.2453C>T in individuals affected with RERE-related conditions and no experimental evidence demonstrating its impact on protein function have been reported. ClinVar contains an entry for this variant (Variation ID: 2409097). Based on the evidence outlined above, the variant was classified as likely benign.

Ambry Genetics
Classification: Likely benign for Inborn genetic diseases. Last evaluated: 2021-11-05. Review status: criteria provided, single submitter. Criteria: Ambry Variant Classification Scheme 2023. Collection method: clinical testing. Allele origin: germline.

Cambridge Genomics Laboratory, East Genomic Laboratory Hub, NHS Genomic Medicine Service
Classification: Likely benign for Cleft palate. Last evaluated: 2020-04-29. Review status: criteria provided, single submitter. Criteria: ACGS Best Practice Guidelines for Variant Classification in Rare Disease 2020. Collection method: clinical testing. Allele origin: germline. Affected: yes. Observed: 1 variant allele.